The following is an entry in ClinVar:

NM_022124.6(CDH23):c.9525_9526del (p.Glu3176fs)

Gene: CDH23 (cadherin related 23; plus strand). Cytogenetic location: 10q22.1.
Variant type: Deletion.
Coding change: c.9525_9526del on transcript NM_022124.6 (MANE Select); coding-DNA positions 9525 to 9526, 2 bases deleted (TG; older notation c.9525_9526delTG).
Protein change: p.Glu3176fs; shifts the reading frame from glutamic acid 3176.
Molecular consequence: frameshift variant.
Genome position (GRCh38, 1-based): chr10:71,812,782-71,812,783, TG deleted; deleting any 2 consecutive bases within chr10:71,812,781-71,812,783 gives the same sequence; the c. name uses the placement nearest the transcript's 3' end. VCF-style (leftmost placement, unchanged base first): chr10-71812780-CGT-C. GRCh37 (hg19) VCF-style: chr10-73572537-CGT-C.
Other names: c.2805_2806del, p.Glu936fs (NM_001171933.1, NM_001171934.1); c.216_217del, p.Glu73fs (NM_001171935.1, NM_001171936.1); short protein forms E936fs, E3176fs, E73fs.
Identifiers: ClinVar variation 841745 (VCV000841745.7), dbSNP rs1841984743, ClinGen allele CA916083145.

ClinVar aggregate classification (germline): Pathogenic (1 of 4 stars; one submission).

Submission:

Labcorp Genetics (formerly Invitae), Labcorp
Classification: Pathogenic. Last evaluated: 2019-05-13. Review status: criteria provided, single submitter. Criteria: Invitae Variant Classification Sherloc (09022015). Collection method: clinical testing. Allele origin: germline.
Comment: This variant has not been reported in the literature in individuals with CDH23-related conditions. This variant is not present in population databases (ExAC no frequency). This sequence change creates a premature translational stop signal (p.Glu3176Alafs*7) in the CDH23 gene. It is expected to result in an absent or disrupted protein product. Loss-of-function variants in CDH23 are known to be pathogenic (PMID: 11138009, 21940737). For these reasons, this variant has been classified as Pathogenic.

Literature cited by the submitters: PubMed 11138009; PubMed 21940737.